The following is an entry in ClinVar:

NM_001182.5(ALDH7A1):c.1015C>T (p.His339Tyr)

Gene: ALDH7A1 (aldehyde dehydrogenase 7 family member A1; minus strand). Cytogenetic location: 5q23.2.
Variant type: single nucleotide variant.
Coding change: c.1015C>T on transcript NM_001182.5 (MANE Select); coding-DNA position 1015, C replaced by T.
Protein change: p.His339Tyr; replaces histidine 339 with tyrosine.
Molecular consequence: missense variant. On other transcripts: intron variant (1).
Genome position (GRCh38, 1-based): chr5:126,556,009, G>A on the plus strand (C>T on the coding strand, the complement: ALDH7A1 is on the minus strand). VCF-style: chr5-126556009-G-A. GRCh37 (hg19) VCF-style: chr5-125891701-G-A.
Other names: c.931C>T, p.His311Tyr (NM_001201377.2); c.1008+3231C>T (NM_001202404.2); short protein forms H311Y, H339Y.
Identifiers: ClinVar variation 1064047 (VCV001064047.4), dbSNP rs768210262, ClinGen allele CA3389556.

ClinVar aggregate classification (germline): Uncertain significance (1 of 4 stars; one submission).

Conditions:
Pyridoxine-dependent epilepsy (EPEO4). Also called: Pyridoxine-Dependent Seizures; Pyridoxine-Dependent Epilepsy - ALDH7A1; PYRIDOXINE DEPENDENCY WITH SEIZURES; EPILEPSY, EARLY-ONSET, 4, VITAMIN B6-DEPENDENT. Identifiers: Orphanet 3006, MedGen C1849508, MONDO:0009945, OMIM 266100. Disease mechanism: loss of function.

Allele frequency attached by ClinVar (database versions not stated): gnomAD exomes 0.00001; ExAC 0.00001.

Submission:

Labcorp Genetics (formerly Invitae), Labcorp
Classification: Uncertain significance for Pyridoxine-dependent epilepsy. Last evaluated: 2022-08-16. Review status: criteria provided, single submitter. Criteria: Invitae Variant Classification Sherloc (09022015). Collection method: clinical testing. Allele origin: germline.
Comment: This sequence change replaces histidine, which is basic and polar, with tyrosine, which is neutral and polar, at codon 339 of the ALDH7A1 protein (p.His339Tyr). This variant is present in population databases (rs768210262, gnomAD 0.006%). This variant has not been reported in the literature in individuals affected with ALDH7A1-related conditions. ClinVar contains an entry for this variant (Variation ID: 1064047). Algorithms developed to predict the effect of missense changes on protein structure and function (SIFT, PolyPhen-2, Align-GVGD) all suggest that this variant is likely to be disruptive. In summary, the available evidence is currently insufficient to determine the role of this variant in disease. Therefore, it has been classified as a Variant of Uncertain Significance.